The following is an entry in ClinVar:

NM_000518.5(HBB):c.217dup (p.Ser73fs)

Genes: HBB (hemoglobin subunit beta; minus strand), LOC106099062 (HBB recombination region; plus strand), LOC107133510 (origin of replication at HBB; plus strand). Cytogenetic location: 11p15.4.
Variant type: Duplication.
Coding change: c.217dup on transcript NM_000518.5 (MANE Select); coding-DNA position 217, one base duplicated (A; older notation c.217dupA).
Protein change: p.Ser73fs; shifts the reading frame from serine 73.
Molecular consequence: frameshift variant.
Genome position (GRCh38, 1-based): chr11:5,226,675, T duplicated on the plus strand (A on the coding strand, the reverse complement: HBB is on the minus strand). VCF-style (leftmost placement, unchanged base first): chr11-5226674-C-CT. GRCh37 (hg19) VCF-style: chr11-5247904-C-CT.
Other names: CD 71/72 (+A); c.216_217insA (NM_000518.5); c.217dupA (NM_000518.5, NM_000518.4); short protein forms S73fs.
Identifiers: ClinVar variation 15419 (VCV000015419.121), dbSNP rs33969853, ClinGen allele CA125286.

ClinVar aggregate classification (germline): Pathogenic/Likely pathogenic. Review status: criteria provided, multiple submitters, no conflicts (2 of 4 stars). 13 submissions from 13 submitters: Pathogenic (9); Likely pathogenic (1). 3 of the submissions do not count toward it. Last evaluated 2025-09-29.

Conditions:
Hereditary persistence of fetal hemoglobin. Identifiers: MedGen C0019025, MONDO:0020989, OMIM 141749.
METHEMOGLOBINEMIA, BETA TYPE. Also called: Methemoglobinemia, beta-globin type. Identifiers: MedGen C1840779, OMIM 617971.
Malaria, susceptibility to. Identifiers: Orphanet 673, MedGen C1970028, MONDO:0021024, OMIM 611162.
Dominant beta-thalassemia. Also called: Beta-thalassemia, dominant inclusion body type. Identifiers: Orphanet 231226, Orphanet 848, MedGen C1858990, MONDO:0011381, OMIM 603902.
Beta-thalassemia HBB/LCRB. Identifiers: MedGen CN322236, MONDO:0013517, OMIM 613985.
Erythrocytosis, familial, 6. Also called: ERYTHROCYTOSIS, BETA-GLOBIN TYPE; POLYCYTHEMIA, BETA-GLOBIN TYPE. Identifiers: MedGen C4693822, MONDO:0054801, OMIM 617980.
Hb SS disease (SCD). Also called: Hemoglobin SS; Sickle cell anemia; Sickle cell disease; HbS disease; Hemoglobin S Disease; Sickling disorder due to hemoglobin S. Identifiers: Orphanet 232, Orphanet 275752, MedGen C0002895, MONDO:0011382, OMIM 603903.
Heinz body anemia. Also called: Heinz body hemolytic anemia. Identifiers: Orphanet 178330, MedGen C0700299, MONDO:0007705, OMIM 140700, HP:0005511.
HBB-related disorder. Also called: HBB-related disorders; HBB-related condition. Identifiers: MedGen CN239378.
Inborn genetic diseases. Identifiers: MedGen C0950123, MeSH D030342.
beta Thalassemia (BTHAL). Also called: Cooley's anemia; Erythroblastic anemia; Mediterranean anemia. Identifiers: Orphanet 848, MedGen C0005283, MONDO:0019402. Disease mechanism: loss of function.
Beta zero thalassemia. Identifiers: MedGen C0271980.

Allele frequency attached by ClinVar (database versions not stated): ExAC 0.00001; gnomAD exomes 0.00001 and below 0.00001; TOPMed below 0.00001.

Submissions (13):

Natera, Inc.
Classification: Pathogenic for Beta thalassemia. Last evaluated: 2025-09-29. Review status: criteria provided, single submitter. Criteria: Natera Variant Classification Schema (03/2026). Collection method: clinical testing. Allele origin: germline.
Comment: The c.217dupA variant in HBB is a frameshift variant predicted to shift the reading frame beginning at codon 73 and leads to a stop codon 2 codons downstream. This variant is expected to result in nonsense mediated decay, truncation, or a dysfunctional protein product. This variant is rare in the general population with a frequency below the threshold expected for the associated phenotype(s). This variant has been observed in one or more individuals affected with the associated recessive disease, as either homozygous or compound heterozygous with a second variant (PMID: 6585831, 36226750). Given the available evidence, this variant is classified as Pathogenic.

Quest Diagnostics Nichols Institute San Juan Capistrano
Classification: Pathogenic. Last evaluated: 2025-03-26. Review status: criteria provided, single submitter. Criteria: Quest Diagnostics criteria. Collection method: clinical testing. Allele origin: unknown.
Comment: The HBB c.217dup (p.Ser73Lysfs*2) variant (also known as c.216_217insA, CD 71/72 +A) alters the translational reading frame of the HBB mRNA and causes the premature termination of HBB protein synthesis. In the published literature, this variant has been reported in the compound heterozygous and homozygous state in multiple individuals with beta-thalassemia (PMID: 26956563 (2016), 24369358 (2014), 19460936 (2009), 12955718 (2003), 6585831 (1984)). This variant has also been identified in heterozygous individuals with beta-thalassemia trait (PMIDs: 38167091 (2024), 31690135 (2019), 31268351 (2019)). The frequency of this variant in the general population (Genome Aggregation Database) is consistent with pathogenicity. Based on the available information, this variant is classified as pathogenic.

ARUP Laboratories, Molecular Genetics and Genomics, ARUP Laboratories
Classification: Pathogenic. Last evaluated: 2024-07-02. Review status: criteria provided, single submitter. Criteria: ARUP Molecular Germline Variant Investigation Process 2024. Collection method: clinical testing. Allele origin: germline.
Comment: The HBB c.217dupA; p.Ser73LysfsTer2 variant (also known as Ser72fs when numbered from the mature protein or as codon 71/72 (+A); HbVar ID: 869) has been reported in individuals with beta(0) thalassemia, including in a homozygous individual with no detectable HBB mRNA (see HbVar, Cheng 1984). This variant is found on only two chromosomes in the Genome Aggregation Database, indicating it is not a common polymorphism. This variant causes a frameshift by inserting a single nucleotide, so it is predicted to result in a truncated protein or mRNA subject to nonsense-mediated decay. Based on available information, the c.217dupA variant is considered to be pathogenic. References: Link to HbVar database: Cheng T et al. beta-Thalassemia in Chinese: use of in vivo RNA analysis and oligonucleotide hybridization in systematic characterization of molecular defects. Proc Natl Acad Sci U S A. 1984; 81(9):2821-5. PMID: 6585831.

Fulgent Genetics
Classification: Pathogenic for Heinz body anemia; Hereditary persistence of fetal hemoglobin; Dominant beta-thalassemia; Hb SS disease; Malaria, susceptibility to; Beta-thalassemia HBB/LCRB; METHEMOGLOBINEMIA, BETA TYPE; Erythrocytosis, familial, 6. Last evaluated: 2024-04-03. Review status: criteria provided, single submitter. Criteria: ACMG Guidelines, 2015. Collection method: clinical testing. Allele origin: germline.

Labcorp Genetics (formerly Invitae), Labcorp
Classification: Pathogenic. Last evaluated: 2024-01-04. Review status: criteria provided, single submitter. Criteria: Invitae Variant Classification Sherloc (09022015). Collection method: clinical testing. Allele origin: germline.
Comment: This sequence change creates a premature translational stop signal (p.Ser73Lysfs*2) in the HBB gene. It is expected to result in an absent or disrupted protein product. Loss-of-function variants in HBB are known to be pathogenic (PMID: 23637309). This variant is present in population databases (rs606231217, gnomAD 0.01%). This premature translational stop signal has been observed in individual(s) with autosomal recessive beta thalassemia (PMID: 6585831). This variant is also known as c.216_217insA or as an insertion of an A nucleotide between codons 71 and 72. ClinVar contains an entry for this variant (Variation ID: 15419). For these reasons, this variant has been classified as Pathogenic.

Blueprint Genetics
Classification: Pathogenic for HBB-related disorders. Last evaluated: 2023-11-30. Review status: criteria provided, single submitter. Criteria: ACMG Guidelines, 2015. Collection method: clinical testing. Allele origin: germline. Affected: yes. Observed: 2 variant alleles.

Myriad Genetics, Inc.
Classification: Likely pathogenic for Beta-thalassemia HBB/LCRB. Last evaluated: 2019-12-20. Review status: criteria provided, single submitter. Criteria: Myriad Women's Health Autosomal Recessive and X-Linked Classification Criteria (2019). Collection method: clinical testing. Allele origin: unknown.
Comment: NM_000518.4(HBB):c.217dupA(aka p.S73Kfs*2) is classified as likely pathogenic in the context of Hb beta chain-related hemoglobinopathy. Please note that S73Kfs*2 is associated with beta thalassemia and is classified as a beta-zero variant. Sources cited for classification include the following: PMID 6585831. Classification of NM_000518.4(HBB):c.217dupA(aka p.S73Kfs*2) is based on the following criteria: The variant causes a premature termination codon that is expected to be targeted by nonsense-mediated mRNA decay and is observed in an individual with the relevant phenotype. Please note: this variant was assessed in the context of healthy population screening.

Ambry Genetics
Classification: Pathogenic for Inborn genetic diseases. Last evaluated: 2016-09-02. Review status: criteria provided, single submitter. Criteria: Ambry Variant Classification Scheme 2023. Collection method: clinical testing. Allele origin: germline.
Comment: The c.217dupA pathogenic mutation (also known as codons 71/72 insertion A), located in coding exon 2 of the HBB gene, results from a duplication of A at nucleotide position 217, causing a translational frameshift with a predicted alternate stop codon (p.S73Kfs*2). This variant was identified previously in a homozygous individual with beta-thalassemia (Cheng TC et al. Proc. Natl. Acad. Sci. U.S.A., 1984 May;81:2821-5). This alteration is expected to result in loss of function by premature protein truncation or nonsense-mediated mRNA decay. As such, this alteration is interpreted as a disease-causing mutation.

Women's Health and Genetics/Laboratory Corporation of America, LabCorp
Classification: Pathogenic for beta Thalassemia. Last evaluated: 2016-08-15. Review status: criteria provided, single submitter. Criteria: LabCorp Variant Classification Summary - May 2015. Collection method: clinical testing. Allele origin: germline.
Comment: Variant summary: The HBB c.217dupA (p.Ser73Lysfs) variant results in a premature termination codon, predicted to cause a truncated or absent HBB protein due to nonsense mediated decay, which are commonly known mechanisms for disease. Truncations downstream of this position have been classified as pathogenic by our laboratory (e.g. p.Gly84fs). One in silico tool predicts a damaging outcome for this variant. Additionally, Cheng_PNAS_1984 reported the absence of beta-globin RNA in erythroid cells of a patient homozygous for this variant. The variant was reported in multiple unrelated BTHAL patients in the literature, and authors all classified the variant as pathogenic. This variant was found in 1/121394 control chromosomes at a frequency of 0.0000082, which does not exceed the estimated maximal expected allele frequency of a pathogenic HBB variant (0.0111803). Taken together, this variant is classified as pathogenic.

Juno Genomics, Hangzhou Juno Genomics, Inc
Classification: Pathogenic for Beta-thalassemia HBB/LCRB. Review status: criteria provided, single submitter. Criteria: ACMG Guidelines, 2015. Collection method: clinical testing. Allele origin: germline. Affected: yes.
Comment: Absent from controls (or at extremely low frequency if recessive) in Genome Aggregation Database, Exome Sequencing Project, 1000 Genomes Project, or Exome Aggregation Consortium.;Null variant in a gene where loss of function (LOF) is a known mechanism of disease.;The prevalence of the variant in affected individuals is significantly increased compared to the prevalence in controls.;Patient's phenotype or family history is highly specific for a disease with a single genetic etiology.

Precision Medicine Lab Center, Yangjiang People's Hospital
Classification: Pathogenic for Beta-thalassemia HBB/LCRB. Last evaluated: 2024-03-04. Review status: no assertion criteria provided. Collection method: clinical testing. Allele origin: germline. Affected: yes. Observed: 1 variant allele. Not counted in ClinVar's aggregate classification.
Comment: The mutation HBB:c.216_217insA refers to the insertion of base A between positions 216 and 217 of the coding region sequence of the β-globin gene. This is a pathogenic mutation associated with a clinical phenotype of moderate anemia.

The ITHANET community portal, The Cyprus Institute of Neurology and Genetics
Classification: Pathogenic for beta Thalassemia. Last evaluated: 2019-11-25. Review status: no assertion criteria provided. Collection method: curation. Allele origin: germline. Not counted in ClinVar's aggregate classification.

OMIM
Classification: Pathogenic for BETA-ZERO-THALASSEMIA. Last evaluated: 1984-05-01. Review status: no assertion criteria provided. Collection method: literature only. Allele origin: germline. Not counted in ClinVar's aggregate classification.

Literature cited by the submitters: PubMed 6585831 (cited by 8 submitters); PubMed 36226750 (cited by Natera, Inc.); PubMed 37311260 (cited by Quest Diagnostics Nichols Institute San Juan Capistrano); PubMed 38167091 (cited by Quest Diagnostics Nichols Institute San Juan Capistrano); PubMed 31690135 (cited by Quest Diagnostics Nichols Institute San Juan Capistrano); PubMed 24369358 (cited by Quest Diagnostics Nichols Institute San Juan Capistrano and Women's Health and Genetics/Laboratory Corporation of America, LabCorp); PubMed 19460936 (cited by Quest Diagnostics Nichols Institute San Juan Capistrano and Women's Health and Genetics/Laboratory Corporation of America, LabCorp); PubMed 12955718 (cited by Quest Diagnostics Nichols Institute San Juan Capistrano and Women's Health and Genetics/Laboratory Corporation of America, LabCorp); PubMed 31268351 (cited by Quest Diagnostics Nichols Institute San Juan Capistrano); PubMed 35023007 (cited by Quest Diagnostics Nichols Institute San Juan Capistrano); PubMed 35314707 (cited by Quest Diagnostics Nichols Institute San Juan Capistrano); PubMed 26956563 (cited by Quest Diagnostics Nichols Institute San Juan Capistrano); PubMed 23637309 (cited by Labcorp Genetics (formerly Invitae), Labcorp).